The following is an entry in ClinVar:

ClinVar aggregate classification (germline): Conflicting classifications of pathogenicity. Review status: criteria provided, conflicting classifications (1 of 4 stars). 2 submissions from 2 submitters: Uncertain significance (1); Likely benign (1). Last evaluated 2024-11-29.

Conditions:
Breast-ovarian cancer, familial, susceptibility to, 1 (BROVCA1). Also called: BRCA1 Hereditary Breast and Ovarian Cancer; OVARIAN CANCER, SUSCEPTIBILITY TO. Identifiers: Orphanet 145, MedGen C2676676, MONDO:0011450, OMIM 604370. Disease mechanism: loss of function.

Submissions (2):

Quest Diagnostics Nichols Institute San Juan Capistrano
Classification: Uncertain significance. Last evaluated: 2024-11-29. Review status: criteria provided, single submitter. Criteria: Quest Diagnostics criteria. Collection method: clinical testing. Allele origin: unknown.
Comment: The BRCA1 c.4032T>C (p.Asp1344=) synonymous variant has not been reported in individuals with BRCA1-related conditions in the published literature. It also has not been reported in large, multi-ethnic general populations (Genome Aggregation Database). Analysis of this variant using software algorithms for the prediction of the effect of nucleotide changes on splicing yielded predictions that this variant does not affect BRCA1 mRNA splicing. Based on the available information, we are unable to determine the clinical significance of this variant.

Illumina Laboratory Services, Illumina
Classification: Likely benign for Breast-ovarian cancer, familial, susceptibility to, 1. Last evaluated: 2017-04-27. Review status: criteria provided, single submitter. Criteria: ICSL Variant Classification Criteria 13 December 2019. Collection method: clinical testing. Allele origin: germline.
Comment: This variant was observed as part of a predisposition screen in an ostensibly healthy population. A literature search was performed for the gene, cDNA change, and amino acid change (where applicable). No publications were found based on this search. Allele frequency data from public databases allowed determination this variant is unlikely to cause disease. Therefore, this variant is classified as likely benign.

NM_007294.4(BRCA1):c.4032T>C (p.Asp1344=)

Genes: BRCA1 (BRCA1 DNA repair associated; minus strand), LOC126862571 (BRD4-independent group 4 enhancer GRCh37_chr17:41243136-41244335; plus strand). Cytogenetic location: 17q21.31.
Variant type: single nucleotide variant.
Coding change: c.4032T>C on transcript NM_007294.4 (MANE Select); coding-DNA position 4032, T replaced by C.
Protein change: p.Asp1344=; no amino-acid change (aspartic acid 1344 retained).
Molecular consequence: synonymous variant. On other transcripts: intron variant (135).
Genome position (GRCh38, 1-based): chr17:43,091,499, A>G on the plus strand (T>C on the coding strand, the complement: BRCA1 is on the minus strand). VCF-style: chr17-43091499-A-G. GRCh37 (hg19) VCF-style: chr17-41243516-A-G.
Other names: c.3906T>C, p.Asp1302= (NM_001407687.1, NM_001407688.1, NM_001407689.1 and 11 more transcripts); c.3891T>C, p.Asp1297= (NM_001407692.1, NM_001407694.1, NM_001407695.1 and 29 more transcripts); c.3888T>C, p.Asp1296= (NM_001407740.1, NM_001407741.1, NM_001407742.1 and 20 more transcripts); c.3819T>C, p.Asp1273= (NM_001407571.1, NM_001407853.1, NM_001407894.1 and 9 more transcripts); c.4032T>C, p.Asp1344= (NM_001407581.1, NM_001407582.1, NM_001407583.1 and 30 more transcripts); c.4029T>C, p.Asp1343= (NM_001407587.1, NM_001407590.1, NM_001407591.1 and 22 more transcripts); c.3831T>C, p.Asp1277= (NM_001407862.1); c.3909T>C, p.Asp1303= (NM_001407863.1, NM_001407648.1, NM_001407919.1 and 19 more transcripts); and 41 more.
Identifiers: ClinVar variation 890327 (VCV000890327.6), dbSNP rs769589630, ClinGen allele CA500231997.